The following is an entry in ClinVar:

ClinVar aggregate classification (germline): Conflicting classifications of pathogenicity. Review status: criteria provided, conflicting classifications (1 of 4 stars). 2 submissions from 2 submitters: Uncertain significance (1); Likely benign (1). Last evaluated 2025-11-27.

Conditions:
Inborn genetic diseases. Identifiers: MedGen C0950123, MeSH D030342.

Allele frequency attached by ClinVar (database versions not stated): gnomAD exomes 0.00001; ExAC 0.00002; gnomAD 0.00005 and 0.00006; TOPMed 0.00005; ESP Exome Variant Server 0.00008.
gnomAD v4.1: 27 of 1,613,148 alleles (0.0017%); highest among the groups gnomAD compares: African/African-American, 0.011%; no homozygotes.

Submissions (2):

Labcorp Genetics (formerly Invitae), Labcorp
Classification: Uncertain significance. Last evaluated: 2025-11-27. Review status: criteria provided, single submitter. Criteria: Invitae Variant Classification Sherloc (09022015). Collection method: clinical testing. Allele origin: germline.
Comment: This sequence change replaces arginine, which is basic and polar, with glutamine, which is neutral and polar, at codon 370 of the CAPN5 protein (p.Arg370Gln). This variant is present in population databases (rs372861545, gnomAD 0.01%). This variant has not been reported in the literature in individuals affected with CAPN5-related conditions. ClinVar contains an entry for this variant (Variation ID: 1036931). Invitae Evidence Modeling of protein sequence and biophysical properties (such as structural, functional, and spatial information, amino acid conservation, physicochemical variation, residue mobility, and thermodynamic stability) indicates that this missense variant is not expected to disrupt CAPN5 protein function with a negative predictive value of 80%. In summary, the available evidence is currently insufficient to determine the role of this variant in disease. Therefore, it has been classified as a Variant of Uncertain Significance.

Ambry Genetics
Classification: Likely benign for Inborn genetic diseases. Last evaluated: 2022-09-27. Review status: criteria provided, single submitter. Criteria: Ambry Variant Classification Scheme 2023. Collection method: clinical testing. Allele origin: germline.

NM_004055.5(CAPN5):c.1109G>A (p.Arg370Gln)

Gene: CAPN5 (calpain 5; plus strand). Cytogenetic location: 11q13.5.
Variant type: single nucleotide variant.
Coding change: c.1109G>A on transcript NM_004055.5 (MANE Select); coding-DNA position 1109, G replaced by A.
Protein change: p.Arg370Gln; replaces arginine 370 with glutamine.
Molecular consequence: missense variant.
Genome position (GRCh38, 1-based): chr11:77,118,294, G>A. VCF-style: chr11-77118294-G-A. GRCh37 (hg19) VCF-style: chr11-76829340-G-A.
Other names: c.1109G>A (NM_004055.4); short protein forms R370Q.
Identifiers: ClinVar variation 1036931 (VCV001036931.9), dbSNP rs372861545, ClinGen allele CA6196688.